The following is an entry in ClinVar:

ClinVar aggregate classification (germline): Conflicting classifications of pathogenicity. Review status: criteria provided, conflicting classifications (1 of 4 stars). 2 submissions from 2 submitters: Uncertain significance (1); Likely benign (1). Last evaluated 2023-12-11.

Conditions:
Epilepsy, familial adult myoclonic, 5 (EPEO5). Also called: CORTICAL MYOCLONIC TREMOR WITH EPILEPSY, FAMILIAL, 5. Identifiers: Orphanet 86814, MedGen C3809374, MONDO:0014167, OMIM 615400.

Allele frequency attached by ClinVar (database versions not stated): gnomAD exomes 0.00002 and 0.00004; gnomAD 0.00003 and 0.00004; ExAC 0.00005; TOPMed 0.00006.

Submissions (2):

Labcorp Genetics (formerly Invitae), Labcorp
Classification: Uncertain significance for Epilepsy, familial adult myoclonic, 5. Last evaluated: 2023-12-11. Review status: criteria provided, single submitter. Criteria: Invitae Variant Classification Sherloc (09022015). Collection method: clinical testing. Allele origin: germline.
Comment: This sequence change replaces glycine, which is neutral and non-polar, with serine, which is neutral and polar, at codon 965 of the CNTN2 protein (p.Gly965Ser). This variant is present in population databases (rs558282228, gnomAD 0.05%). This variant has not been reported in the literature in individuals affected with CNTN2-related conditions. ClinVar contains an entry for this variant (Variation ID: 939281). Advanced modeling of protein sequence and biophysical properties (such as structural, functional, and spatial information, amino acid conservation, physicochemical variation, residue mobility, and thermodynamic stability) performed at Invitae indicates that this missense variant is not expected to disrupt CNTN2 protein function with a negative predictive value of 95%. In summary, the available evidence is currently insufficient to determine the role of this variant in disease. Therefore, it has been classified as a Variant of Uncertain Significance.

Ambry Genetics
Classification: Likely benign. Last evaluated: 2022-07-14. Review status: criteria provided, single submitter. Criteria: Ambry Variant Classification Scheme 2023. Collection method: clinical testing. Allele origin: germline.

NM_005076.5(CNTN2):c.2893G>A (p.Gly965Ser)

Genes: CNTN2 (contactin 2; plus strand), LOC126805985 (MED14-independent group 3 enhancer GRCh37_chr1:205041546-205042745; plus strand). Cytogenetic location: 1q32.1.
Variant type: single nucleotide variant.
Coding change: c.2893G>A on transcript NM_005076.5 (MANE Select); coding-DNA position 2893, G replaced by A.
Protein change: p.Gly965Ser; replaces glycine 965 with serine.
Molecular consequence: missense variant. On other transcripts: non-coding transcript variant (1).
Genome position (GRCh38, 1-based): chr1:205,073,116, G>A. VCF-style: chr1-205073116-G-A. GRCh37 (hg19) VCF-style: chr1-205042244-G-A.
Other names: c.2893G>A, p.Gly965Ser (NM_001346083.2); short protein forms G965S.
Identifiers: ClinVar variation 939281 (VCV000939281.7), dbSNP rs558282228, ClinGen allele CA1351833.